The following is an entry in ClinVar:

ClinVar aggregate classification (germline): Likely pathogenic (1 of 4 stars; one submission).

Conditions:
Colorectal cancer, susceptibility to, 12 (CRCS12). Also called: COLORECTAL CANCER, SUSCEPTIBILITY TO, ON CHROMOSOME 12q24. Identifiers: Orphanet 220460, MedGen C3554460, MONDO:0014038, OMIM 615083.

Submission:

Labcorp Genetics (formerly Invitae), Labcorp
Classification: Likely pathogenic for Colorectal cancer, susceptibility to, 12. Last evaluated: 2022-07-05. Review status: criteria provided, single submitter. Criteria: Invitae Variant Classification Sherloc (09022015). Collection method: clinical testing. Allele origin: germline.
Comment: This sequence change affects a donor splice site in intron 21 of the POLE gene. It is expected to disrupt RNA splicing. Variants that disrupt the donor or acceptor splice site typically lead to a loss of protein function (PMID: 16199547), and loss-of-function variants in POLE are known to be pathogenic (PMID: 23230001, 25948378, 30503519). This variant is not present in population databases (gnomAD no frequency). This variant has not been reported in the literature in individuals affected with POLE-related conditions. Algorithms developed to predict the effect of sequence changes on RNA splicing suggest that this variant may disrupt the consensus splice site. In summary, the currently available evidence indicates that the variant is pathogenic, but additional data are needed to prove that conclusively. Therefore, this variant has been classified as Likely Pathogenic.

Literature cited by the submitters: PubMed 16199547; PubMed 23230001; PubMed 25948378; PubMed 30503519.

NM_006231.4(POLE):c.2468+1G>T

Gene: POLE (DNA polymerase epsilon, catalytic subunit; minus strand). Cytogenetic location: 12q24.33.
Variant type: single nucleotide variant.
Coding change: c.2468+1G>T on transcript NM_006231.4 (MANE Select); the canonical splice donor site of the intron after coding-DNA position 2468, G replaced by T.
Molecular consequence: splice donor variant.
Genome position (GRCh38, 1-based): chr12:132,665,301, C>A on the plus strand (G>T on the coding strand, the complement: POLE is on the minus strand). VCF-style: chr12-132665301-C-A. GRCh37 (hg19) VCF-style: chr12-133241887-C-A.
Identifiers: ClinVar variation 2180430 (VCV002180430.1), dbSNP rs1060500806, ClinGen allele CA387396861.